The following is an entry in ClinVar:

ClinVar aggregate classification (germline): Uncertain significance. Review status: criteria provided, multiple submitters, no conflicts (2 of 4 stars). 2 submissions from 2 submitters: Uncertain significance (2). Last evaluated 2025-09-07.

Conditions:
Cardiovascular phenotype. Identifiers: MedGen CN230736.
Brugada syndrome 8 (BRGDA8). Identifiers: Orphanet 130, MedGen C2751083, MONDO:0013148, OMIM 613123.

gnomAD v4.1: 2 of 1,446,172 alleles (0.00014%); highest among the groups gnomAD compares: Non-Finnish European, 0.00018%; no homozygotes.

Submissions (2):

Ambry Genetics
Classification: Uncertain significance for Cardiovascular phenotype. Last evaluated: 2025-09-07. Review status: criteria provided, single submitter. Criteria: Ambry Variant Classification Scheme 2023. Collection method: clinical testing. Allele origin: germline.
Comment: The p.A163V variant (also known as c.488C>T), located in coding exon 1 of the HCN4 gene, results from a C to T substitution at nucleotide position 488. The alanine at codon 163 is replaced by valine, an amino acid with similar properties. This amino acid position is conserved. In addition, the in silico prediction for this alteration is inconclusive. Based on the available evidence, the clinical significance of this variant remains unclear.

Labcorp Genetics (formerly Invitae), Labcorp
Classification: Uncertain significance for Brugada syndrome 8. Last evaluated: 2025-04-26. Review status: criteria provided, single submitter. Criteria: Invitae Variant Classification Sherloc (09022015). Collection method: clinical testing. Allele origin: germline.
Comment: This sequence change replaces alanine, which is neutral and non-polar, with valine, which is neutral and non-polar, at codon 163 of the HCN4 protein (p.Ala163Val). This variant is not present in population databases (gnomAD no frequency). This variant has not been reported in the literature in individuals affected with HCN4-related conditions. Invitae Evidence Modeling of protein sequence and biophysical properties (such as structural, functional, and spatial information, amino acid conservation, physicochemical variation, residue mobility, and thermodynamic stability) indicates that this missense variant is not expected to disrupt HCN4 protein function with a negative predictive value of 95%. In summary, the available evidence is currently insufficient to determine the role of this variant in disease. Therefore, it has been classified as a Variant of Uncertain Significance.

NM_005477.3(HCN4):c.488C>T (p.Ala163Val)

Gene: HCN4 (hyperpolarization activated cyclic nucleotide gated potassium channel 4; minus strand). Cytogenetic location: 15q24.1.
Variant type: single nucleotide variant.
Coding change: c.488C>T on transcript NM_005477.3 (MANE Select); coding-DNA position 488, C replaced by T.
Protein change: p.Ala163Val; replaces alanine 163 with valine.
Molecular consequence: missense variant.
Genome position (GRCh38, 1-based): chr15:73,367,783, G>A on the plus strand (C>T on the coding strand, the complement: HCN4 is on the minus strand). VCF-style: chr15-73367783-G-A. GRCh37 (hg19) VCF-style: chr15-73660124-G-A.
Other names: short protein forms A163V.
Identifiers: ClinVar variation 4269235 (VCV004269235.2).